The following is an entry in ClinVar:

NM_001008537.3(NEXMIF):c.4004T>C (p.Met1335Thr)

Gene: NEXMIF (neurite extension and migration factor; minus strand). Cytogenetic location: Xq13.3.
Variant type: single nucleotide variant.
Coding change: c.4004T>C on transcript NM_001008537.3 (MANE Select); coding-DNA position 4004, T replaced by C.
Protein change: p.Met1335Thr; replaces methionine 1335 with threonine.
Molecular consequence: missense variant.
Genome position (GRCh38, 1-based): chrX:74,740,553, A>G on the plus strand (T>C on the coding strand, the complement: NEXMIF is on the minus strand). VCF-style: chrX-74740553-A-G. GRCh37 (hg19) VCF-style: chrX-73960388-A-G.
Other names: c.4004T>C (NM_001008537.1); short protein forms M1335T.
Identifiers: ClinVar variation 2434335 (VCV002434335.7), dbSNP rs374471570, ClinGen allele CA413664249.
Genomic context (GRCh38, chrX:74,740,553, plus strand): 5'-TAGAATATGTTGGGATCCCCATGGTGCTCCATGGGTTCCCAAAGGGGCTCTATGGAGGCC[A>G]TCATGAATCTCTGCACATCTGCCATACCAGAGGCAATGTTGGACAAGATATAGGAAGGCT-3'
Protein context (NP_001008537.1, residues 1325-1345): SGMADVQRFM[Met1335Thr]ASIEPLWEPM

ClinVar aggregate classification (germline): Conflicting classifications of pathogenicity. Review status: criteria provided, conflicting classifications (1 of 4 stars). 3 submissions from 3 submitters: Uncertain significance (2); Likely benign (1). Last evaluated 2023-05-18.

Conditions:
X-linked intellectual disability, Cantagrel type (XLID98). Also called: INTELLECTUAL DEVELOPMENTAL DISORDER, X-LINKED 98. Identifiers: Orphanet 85277, MedGen C3806730, MONDO:0010483, OMIM 300912.

Submissions (3):

GeneDx
Classification: Uncertain significance. Last evaluated: 2023-05-18. Review status: criteria provided, single submitter. Criteria: GeneDx Variant Classification Process June 2021. Collection method: clinical testing. Allele origin: germline. Affected: yes.
Comment: Not observed at significant frequency in large population cohorts (gnomAD); In silico analysis supports that this missense variant does not alter protein structure/function; Has not been previously published as pathogenic or benign to our knowledge

Labcorp Genetics (formerly Invitae), Labcorp
Classification: Likely benign. Last evaluated: 2023-01-19. Review status: criteria provided, single submitter. Criteria: Invitae Variant Classification Sherloc (09022015). Collection method: clinical testing. Allele origin: germline.

Revvity Omics, Revvity
Classification: Uncertain significance for X-linked intellectual disability, Cantagrel type. Last evaluated: 2020-12-17. Review status: criteria provided, single submitter. Criteria: ACMG Guidelines, 2015. Collection method: clinical testing. Allele origin: germline.